The following is an entry in ClinVar:

NM_001270974.2(HYDIN):c.11908C>T (p.Arg3970Ter)

Gene: HYDIN (HYDIN axonemal central pair apparatus protein; minus strand). Cytogenetic location: 16q22.2.
Variant type: single nucleotide variant.
Coding change: c.11908C>T on transcript NM_001270974.2 (MANE Select); coding-DNA position 11908, C replaced by T.
Protein change: p.Arg3970Ter; replaces arginine 3970 with a stop codon.
Molecular consequence: nonsense.
Genome position (GRCh38, 1-based): chr16:70,860,771, G>A on the plus strand (C>T on the coding strand, the complement: HYDIN is on the minus strand). VCF-style: chr16-70860771-G-A. GRCh37 (hg19) VCF-style: chr16-70894674-G-A.
Other names: short protein forms R3970*.
Identifiers: ClinVar variation 4795440 (VCV004795440.1).

ClinVar aggregate classification (germline): Likely pathogenic (1 of 4 stars; one submission).

Submission:

GeneDx
Classification: Likely pathogenic. Last evaluated: 2025-08-11. Review status: criteria provided, single submitter. Criteria: GeneDx Variant Classification Process June 2021. Collection method: clinical testing. Allele origin: germline. Affected: yes.
Comment: Observed in a patient with epileptic or developmental epileptic encephalopathy, however detailed clinical information was not provided (PMID: 31175295); Nonsense variant predicted to result in protein truncation or nonsense mediated decay in a gene for which loss of function is a known mechanism of disease; Not observed at significant frequency in large population cohorts (gnomAD); This variant is associated with the following publications: (PMID: 31175295)